The following is an entry in ClinVar:

ClinVar aggregate classification (germline): Benign/Likely benign. Review status: criteria provided, multiple submitters, no conflicts (2 of 4 stars). 2 submissions from 2 submitters: Benign (1); Likely benign (1). Last evaluated 2024-03-27.

Conditions:
Familial adenomatous polyposis 1 (FAP1). Also called: POLYPOSIS, ADENOMATOUS INTESTINAL; FAMILIAL ADENOMATOUS POLYPOSIS 1, ATTENUATED. Identifiers: MedGen C2713442, MONDO:0021056, OMIM 175100. Disease mechanism: loss of function.

Submissions (2):

Myriad Genetics, Inc.
Classification: Benign for Familial adenomatous polyposis 1. Last evaluated: 2024-03-27. Review status: criteria provided, single submitter. Criteria: Myriad Autosomal Dominant, Autosomal Recessive and X-Linked Classification Criteria (2023). Collection method: clinical testing. Allele origin: unknown.
Comment: This variant is considered benign. This variant is a silent/synonymous amino acid change and it is not expected to impact splicing.

Labcorp Genetics (formerly Invitae), Labcorp
Classification: Likely benign for Familial adenomatous polyposis 1. Last evaluated: 2023-05-10. Review status: criteria provided, single submitter. Criteria: Invitae Variant Classification Sherloc (09022015). Collection method: clinical testing. Allele origin: germline.

NM_000038.6(APC):c.4644C>T (p.Asn1548=)

Gene: APC (APC regulator of Wnt signaling pathway; plus strand). Cytogenetic location: 5q22.2.
Variant type: single nucleotide variant.
Coding change: c.4644C>T on transcript NM_000038.6 (MANE Select); coding-DNA position 4644, C replaced by T.
Protein change: p.Asn1548=; no amino-acid change (asparagine 1548 retained).
Molecular consequence: synonymous variant.
Genome position (GRCh38, 1-based): chr5:112,840,238, C>T. VCF-style: chr5-112840238-C-T. GRCh37 (hg19) VCF-style: chr5-112175935-C-T.
Other names: c.4644C>T, p.Asn1548= (NM_001127510.3, NM_001354895.2); c.4590C>T, p.Asn1530= (NM_001127511.3); c.4698C>T, p.Asn1566= (NM_001354896.2); c.4674C>T, p.Asn1558= (NM_001354897.2); c.4569C>T, p.Asn1523= (NM_001354898.2); c.4560C>T, p.Asn1520= (NM_001354899.2); c.4521C>T, p.Asn1507= (NM_001354900.2); c.4467C>T, p.Asn1489= (NM_001354901.2); and 5 more.
Identifiers: ClinVar variation 1562076 (VCV001562076.9), dbSNP rs2149919882, ClinGen allele CA446206644.